The following is an entry in ClinVar:

ClinVar aggregate classification (germline): Benign. Review status: criteria provided, multiple submitters, no conflicts (2 of 4 stars). 9 submissions from 3 submitters: Benign (9). Last evaluated 2021-05-11.

Conditions:
Marfan syndrome (MFS). Also called: Marfan syndrome type 1; Marfan's syndrome; MARFAN SYNDROME, TYPE I; Marfan syndrome, classic; FBN1-Related Marfan Syndrome. Identifiers: Orphanet 284963, Orphanet 558, MedGen C0024796, MONDO:0007947, OMIM 154700.
Stiff skin syndrome (SSKS). Identifiers: Orphanet 2833, MedGen C1861456, MONDO:0008492, OMIM 184900.
Geleophysic dysplasia. Identifiers: Orphanet 2623, MedGen C3489726, MONDO:0000127.
Familial thoracic aortic aneurysm and aortic dissection (TAAD). Also called: Thoracic aortic aneurysms and dissections. Identifiers: Orphanet 91387, MedGen C4707243, MONDO:0019625.
Acromicric dysplasia (ACMICD). Also called: Acromicric skeletal dysplasia. Identifiers: Orphanet 969, MedGen C0265287, MONDO:0007055, OMIM 102370.
Ectopia lentis 1, isolated, autosomal dominant (ECTOL1). Identifiers: Orphanet 1885, MedGen C3541518, MONDO:0007514, OMIM 129600.
Weill-Marchesani syndrome. Also called: WM Syndrome; Mesodermal dysmorphodystrophy congenital. Identifiers: Orphanet 3449, MedGen C0265313, MONDO:0018096.

Allele frequency attached by ClinVar (database versions not stated): 1000 Genomes Project 30x 0.65131; 1000 Genomes Project 0.65695; TOPMed 0.67669; gnomAD 0.68134 and 0.68682; gnomAD exomes 0.66667.
gnomAD v4.1: 104,415 of 152,000 alleles (69%); highest among the groups gnomAD compares: South Asian, 80%; 36,932 homozygotes.

Submissions (9):

GeneDx
Classification: Benign. Last evaluated: 2021-05-11. Review status: criteria provided, single submitter. Criteria: GeneDx Variant Classification Process June 2021. Collection method: clinical testing. Allele origin: germline. Affected: yes.

Illumina Laboratory Services, Illumina
Classification: Benign for Familial thoracic aortic aneurysm and aortic dissection. Last evaluated: 2018-01-12. Review status: criteria provided, single submitter. Criteria: ICSL Variant Classification Criteria 13 December 2019. Collection method: clinical testing. Allele origin: germline.
Comment: This variant was observed in the ICSL laboratory as part of a predisposition screen in an ostensibly healthy population. It had not been previously curated by ICSL or reported in the Human Gene Mutation Database (HGMD: prior to June 1st, 2018), and was therefore a candidate for classification through an automated scoring system. Utilizing variant allele frequency, disease prevalence and penetrance estimates, and inheritance mode, an automated score was calculated to assess if this variant is too frequent to cause the disease. Based on the score and internal cut-off values, a variant classified as benign is not then subjected to further curation. The score for this variant resulted in a classification of benign for this disease.

Illumina Laboratory Services, Illumina
Classification: Benign for Stiff skin syndrome. Last evaluated: 2018-01-12. Review status: criteria provided, single submitter. Criteria: ICSL Variant Classification Criteria 13 December 2019. Collection method: clinical testing. Allele origin: germline.
Comment: the same text as in the submission from Illumina Laboratory Services, Illumina above.

Illumina Laboratory Services, Illumina
Classification: Benign for Weill-Marchesani syndrome. Last evaluated: 2018-01-12. Review status: criteria provided, single submitter. Criteria: ICSL Variant Classification Criteria 13 December 2019. Collection method: clinical testing. Allele origin: germline.
Comment: the same text as in the submission from Illumina Laboratory Services, Illumina above.

Illumina Laboratory Services, Illumina
Classification: Benign for Ectopia lentis 1, isolated, autosomal dominant. Last evaluated: 2018-01-12. Review status: criteria provided, single submitter. Criteria: ICSL Variant Classification Criteria 13 December 2019. Collection method: clinical testing. Allele origin: germline.
Comment: the same text as in the submission from Illumina Laboratory Services, Illumina above.

Illumina Laboratory Services, Illumina
Classification: Benign for Geleophysic dysplasia. Last evaluated: 2018-01-12. Review status: criteria provided, single submitter. Criteria: ICSL Variant Classification Criteria 13 December 2019. Collection method: clinical testing. Allele origin: germline.
Comment: the same text as in the submission from Illumina Laboratory Services, Illumina above.

Illumina Laboratory Services, Illumina
Classification: Benign for Marfan syndrome. Last evaluated: 2018-01-12. Review status: criteria provided, single submitter. Criteria: ICSL Variant Classification Criteria 13 December 2019. Collection method: clinical testing. Allele origin: germline.
Comment: the same text as in the submission from Illumina Laboratory Services, Illumina above.

Illumina Laboratory Services, Illumina
Classification: Benign for Acromicric dysplasia. Last evaluated: 2018-01-12. Review status: criteria provided, single submitter. Criteria: ICSL Variant Classification Criteria 13 December 2019. Collection method: clinical testing. Allele origin: germline.
Comment: the same text as in the submission from Illumina Laboratory Services, Illumina above.

Breakthrough Genomics
Classification: Benign. Review status: criteria provided, single submitter. Criteria: ACMG Guidelines, 2015. Collection method: not provided. Allele origin: germline. Inheritance: Autosomal dominant inheritance. Affected: yes.

NM_000138.5(FBN1):c.*1575T>G

Gene: FBN1 (fibrillin 1; minus strand). Cytogenetic location: 15q21.1.
Variant type: single nucleotide variant.
Coding change: c.*1575T>G on transcript NM_000138.5 (MANE Select); 1575 bases downstream of the stop codon, T replaced by G.
Molecular consequence: 3 prime UTR variant.
Genome position (GRCh38, 1-based): chr15:48,409,415, A>C on the plus strand (T>G on the coding strand, the complement: FBN1 is on the minus strand). VCF-style: chr15-48409415-A-C. GRCh37 (hg19) VCF-style: chr15-48701612-A-C.
Identifiers: ClinVar variation 316329 (VCV000316329.7), dbSNP rs4775760, ClinGen allele CA10647077.